The following is an entry in ClinVar:

ClinVar aggregate classification (germline): Benign/Likely benign. Review status: criteria provided, multiple submitters, no conflicts (2 of 4 stars). 11 submissions from 11 submitters: Benign (4); Likely benign (5). 2 of the submissions do not count toward it. Last evaluated 2026-03-27.

Conditions:
Marfan syndrome (MFS). Also called: FBN1-Related Marfan Syndrome; MARFAN SYNDROME, TYPE I; Marfan syndrome type 1; Marfan's syndrome; Marfan syndrome, classic. Identifiers: Orphanet 284963, Orphanet 558, MedGen C0024796, MONDO:0007947, OMIM 154700.
Familial thoracic aortic aneurysm and aortic dissection (TAAD). Also called: Thoracic aortic aneurysms and dissections. Identifiers: Orphanet 91387, MedGen C4707243, MONDO:0019625.

Allele frequency attached by ClinVar (database versions not stated): gnomAD exomes 0.00012 and 0.00027; ExAC 0.00036; 1000 Genomes Project 30x 0.00062; 1000 Genomes Project 0.00080; ESP Exome Variant Server 0.00108; gnomAD 0.00151 and 0.00163; TOPMed 0.00162.
gnomAD v4.1: 416 of 1,614,058 alleles (0.026%); highest among the groups gnomAD compares: African/African-American, 0.49%; 3 homozygotes.

Submissions (11):

Molecular Diagnostic Laboratory for Inherited Cardiovascular Disease, Montreal Heart Institute
Classification: Likely benign. Last evaluated: 2026-03-27. Review status: criteria provided, single submitter. Criteria: ACMG Guidelines, 2015. Collection method: clinical testing. Allele origin: germline. Affected: no.
Comment: BS1

Labcorp Genetics (formerly Invitae), Labcorp
Classification: Benign for Marfan syndrome; Familial thoracic aortic aneurysm and aortic dissection. Last evaluated: 2026-01-26. Review status: criteria provided, single submitter. Criteria: Invitae Variant Classification Sherloc (09022015). Collection method: clinical testing. Allele origin: germline.

CeGaT Center for Human Genetics Tuebingen
Classification: Likely benign. Last evaluated: 2025-01-01. Review status: criteria provided, single submitter. Criteria: CeGaT Center For Human Genetics Tuebingen Variant Classification Criteria Version 2. Collection method: clinical testing. Allele origin: germline. Affected: yes. Observed: 1 variant allele.
Comment: FBN1: BP4, BS1

Blueprint Genetics
Classification: Likely benign. Last evaluated: 2024-05-03. Review status: criteria provided, single submitter. Criteria: ACMG Guidelines, 2015. Collection method: clinical testing. Allele origin: germline.

ARUP Laboratories, Molecular Genetics and Genomics, ARUP Laboratories
Classification: Likely benign. Last evaluated: 2023-07-13. Review status: criteria provided, single submitter. Criteria: ARUP Molecular Germline Variant Investigation Process 2024. Collection method: clinical testing. Allele origin: germline.

CHEO Genetics Diagnostic Laboratory, Children's Hospital of Eastern Ontario
Classification: Benign for Familial thoracic aortic aneurysm and aortic dissection. Last evaluated: 2023-05-08. Review status: criteria provided, single submitter. Criteria: ACMG Guidelines, 2015. Collection method: clinical testing. Allele origin: germline.

Color Diagnostics, LLC DBA Color Health
Classification: Benign for Familial thoracic aortic aneurysm and aortic dissection. Last evaluated: 2018-10-25. Review status: criteria provided, single submitter. Criteria: ACMG Guidelines, 2015. Collection method: clinical testing. Allele origin: germline.

GeneDx
Classification: Benign. Last evaluated: 2014-01-12. Review status: criteria provided, single submitter. Criteria: GeneDx Variant Classification (06012015). Collection method: clinical testing. Allele origin: germline. Affected: yes.
Comment: This variant is considered likely benign or benign based on one or more of the following criteria: it is a conservative change, it occurs at a poorly conserved position in the protein, it is predicted to be benign by multiple in silico algorithms, and/or has population frequency not consistent with disease.

Breakthrough Genomics
Classification: Likely benign. Review status: criteria provided, single submitter. Criteria: ACMG Guidelines, 2015. Collection method: not provided. Allele origin: germline. Inheritance: Autosomal dominant inheritance. Affected: yes.

Clinical Genetics DNA and cytogenetics Diagnostics Lab, Erasmus MC, Erasmus Medical Center
Classification: Likely benign. Review status: no assertion criteria provided. Collection method: clinical testing. Allele origin: germline. Affected: yes. Study: VKGL Data-share Consensus. Not counted in ClinVar's aggregate classification.

Genome Diagnostics Laboratory, University Medical Center Utrecht
Classification: Benign. Review status: no assertion criteria provided. Collection method: clinical testing. Allele origin: germline. Affected: yes. Study: VKGL Data-share Consensus. Not counted in ClinVar's aggregate classification.

NM_000138.5(FBN1):c.2420-8T>C

Gene: FBN1 (fibrillin 1; minus strand). Cytogenetic location: 15q21.1.
Variant type: single nucleotide variant.
Coding change: c.2420-8T>C on transcript NM_000138.5 (MANE Select); 8 bases into the intron before coding-DNA position 2420, T replaced by C.
Molecular consequence: intron variant.
Genome position (GRCh38, 1-based): chr15:48,495,596, A>G on the plus strand (T>C on the coding strand, the complement: FBN1 is on the minus strand). VCF-style: chr15-48495596-A-G. GRCh37 (hg19) VCF-style: chr15-48787793-A-G.
Identifiers: ClinVar variation 137302 (VCV000137302.42), dbSNP rs140582, ClinGen allele CA013028.